The following is an entry in ClinVar:

NM_000744.7(CHRNA4):c.973G>A (p.Val325Ile)

Gene: CHRNA4 (cholinergic receptor nicotinic alpha 4 subunit; minus strand). Cytogenetic location: 20q13.33.
Variant type: single nucleotide variant.
Coding change: c.973G>A on transcript NM_000744.7 (MANE Select); coding-DNA position 973, G replaced by A.
Protein change: p.Val325Ile; replaces valine 325 with isoleucine.
Molecular consequence: missense variant. On other transcripts: non-coding transcript variant (1).
Genome position (GRCh38, 1-based): chr20:63,350,438, C>T on the plus strand (G>A on the coding strand, the complement: CHRNA4 is on the minus strand). VCF-style: chr20-63350438-C-T. GRCh37 (hg19) VCF-style: chr20-61981790-C-T.
Other names: c.445G>A, p.Val149Ile (NM_001256573.2); short protein forms V325I, V149I.
Identifiers: ClinVar variation 2758299 (VCV002758299.3), dbSNP rs2516540985, ClinGen allele CA409635857.
Genomic context (GRCh38, chr20:63,350,438, plus strand): 5'-GTACCCAGGTGGGCATGGTGTGCGTGCGTGGCGAGCGGTGGTGCACGTTGAGCACGAAGA[C>T]CGTGATGACGATGGACAGGGTGACGAAGATCATGGTGAACAGCAGGTACTCGCCGATGAG-3'
Protein context (NP_000735.1, residues 315-335): IFVTLSIVIT[Val325Ile]FVLNVHHRSP

ClinVar aggregate classification (germline): Uncertain significance (1 of 4 stars; one submission).

Conditions:
Familial sleep-related hypermotor epilepsy. Also called: Autosomal Dominant Sleep-Related Hypermotor (Hyperkinetic) Epilepsy. Identifiers: Orphanet 98784, MedGen C3696898, MONDO:0000030.

Submission:

Labcorp Genetics (formerly Invitae), Labcorp
Classification: Uncertain significance. Last evaluated: 2023-09-19. Review status: criteria provided, single submitter. Criteria: Invitae Variant Classification Sherloc (09022015). Collection method: clinical testing. Allele origin: germline.
Comment: This sequence change replaces valine, which is neutral and non-polar, with isoleucine, which is neutral and non-polar, at codon 325 of the CHRNA4 protein (p.Val325Ile). This variant is not present in population databases (gnomAD no frequency). This variant has not been reported in the literature in individuals affected with CHRNA4-related conditions. Advanced modeling of protein sequence and biophysical properties (such as structural, functional, and spatial information, amino acid conservation, physicochemical variation, residue mobility, and thermodynamic stability) performed at Invitae indicates that this missense variant is not expected to disrupt CHRNA4 protein function. In summary, the available evidence is currently insufficient to determine the role of this variant in disease. Therefore, it has been classified as a Variant of Uncertain Significance.